The following is an entry in ClinVar:

ClinVar aggregate classification (germline): Uncertain significance (1 of 4 stars; one submission).

Conditions:
Hereditary cancer-predisposing syndrome. Also called: Hereditary neoplastic syndrome; Neoplastic Syndromes, Hereditary; Tumor predisposition; Hereditary Cancer Syndrome. Identifiers: Orphanet 140162, MedGen C0027672, MeSH D009386, MONDO:0015356.

Submission:

Ambry Genetics
Classification: Uncertain significance for Hereditary cancer-predisposing syndrome. Last evaluated: 2025-08-27. Review status: criteria provided, single submitter. Criteria: Ambry Variant Classification Scheme 2023. Collection method: clinical testing. Allele origin: germline.
Comment: The p.K108N variant (also known as c.324A>C), located in coding exon 3 of the MUTYH gene, results from an A to C substitution at nucleotide position 324. The lysine at codon 108 is replaced by asparagine, an amino acid with similar properties. This amino acid position is conserved. In addition, the in silico prediction for this alteration is inconclusive. Based on the available evidence, the clinical significance of this variant remains unclear.

NM_001048174.2(MUTYH):c.240A>C (p.Lys80Asn)

Gene: MUTYH (mutY DNA glycosylase; minus strand). Cytogenetic location: 1p34.1.
Variant type: single nucleotide variant.
Coding change: c.240A>C on transcript NM_001048174.2 (MANE Select); coding-DNA position 240, A replaced by C.
Protein change: p.Lys80Asn; replaces lysine 80 with asparagine.
Molecular consequence: missense variant. On other transcripts: 5 prime UTR variant (6), non-coding transcript variant (7).
Genome position (GRCh38, 1-based): chr1:45,333,437, T>G on the plus strand (A>C on the coding strand, the complement: MUTYH is on the minus strand). VCF-style: chr1-45333437-T-G. GRCh37 (hg19) VCF-style: chr1-45799109-T-G.
Other names: c.243A>C, p.Lys81Asn (NM_001048172.2, NM_001407079.1, NM_001407086.1 and 2 more transcripts); c.240A>C, p.Lys80Asn (NM_001048173.2, NM_001293195.2, NM_001407080.1 and 6 more transcripts); c.324A>C, p.Lys108Asn (NM_001128425.2); c.285A>C, p.Lys95Asn (NM_001293190.2); c.273A>C, p.Lys91Asn (NM_001293191.2, NM_001407077.1); c.-37A>C (NM_001293192.2, NM_001293196.2, NM_001407091.1); c.-32A>C (NM_001350650.2, NM_001407082.1, NM_001350651.2); c.282A>C, p.Lys94Asn (NM_001407083.1, NM_001407085.1, NM_001407073.1); and 3 more; short protein forms K105N, K108N, K87N, K94N, K52N, K91N, K95N, K80N.
Identifiers: ClinVar variation 4113602 (VCV004113602.1).